The following is an entry in ClinVar:

NM_000535.7(PMS2):c.1248C>A (p.Ser416=)

Gene: PMS2 (PMS1 homolog 2, mismatch repair system component; minus strand). Cytogenetic location: 7p22.1.
Variant type: single nucleotide variant.
Coding change: c.1248C>A on transcript NM_000535.7 (MANE Select); coding-DNA position 1248, C replaced by A.
Protein change: p.Ser416=; no amino-acid change (serine 416 retained).
Molecular consequence: synonymous variant. On other transcripts: non-coding transcript variant (1).
Genome position (GRCh38, 1-based): chr7:5,987,517, G>T on the plus strand (C>A on the coding strand, the complement: PMS2 is on the minus strand). VCF-style: chr7-5987517-G-T. GRCh37 (hg19) VCF-style: chr7-6027148-G-T.
Other names: c.843C>A, p.Ser281= (NM_001322003.2, NM_001322004.2, NM_001322005.2 and 1 more transcripts); c.1092C>A, p.Ser364= (NM_001322006.2); c.930C>A, p.Ser310= (NM_001322007.2, NM_001322008.2); c.687C>A, p.Ser229= (NM_001322010.2); c.315C>A, p.Ser105= (NM_001322011.2, NM_001322012.2); c.675C>A, p.Ser225= (NM_001322013.2); c.1248C>A, p.Ser416= (NM_001322014.2); c.939C>A, p.Ser313= (NM_001322015.2).
Identifiers: ClinVar variation 230291 (VCV000230291.25), dbSNP rs780709321, ClinGen allele CA042805.

ClinVar aggregate classification (germline): Benign/Likely benign. Review status: criteria provided, multiple submitters, no conflicts (2 of 4 stars). 11 submissions from 11 submitters: Benign (2); Likely benign (9). Last evaluated 2026-01-25.

Conditions:
Hereditary nonpolyposis colorectal neoplasms. Identifiers: MedGen C0009405, MeSH D003123.
Hereditary cancer-predisposing syndrome. Also called: Neoplastic Syndromes, Hereditary; Hereditary Cancer Syndrome; Tumor predisposition; Hereditary neoplastic syndrome. Identifiers: Orphanet 140162, MedGen C0027672, MeSH D009386, MONDO:0015356.
Lynch syndrome. Identifiers: Orphanet 144, MedGen C4552100, MONDO:0005835. Disease mechanism: loss of function.
Lynch syndrome 4 (LYNCH4). Also called: Hereditary non-polyposis colorectal cancer, type 4; Colorectal cancer, hereditary nonpolyposis, type 4. Identifiers: Orphanet 144, MedGen C1838333, MONDO:0013699, OMIM 614337. Disease mechanism: loss of function.

Allele frequency attached by ClinVar (database versions not stated): gnomAD exomes 0.00001 and 0.00002; ExAC 0.00002; gnomAD 0.00011; TOPMed 0.00011.
gnomAD v4.1: 41 of 1,614,182 alleles (0.0025%); highest among the groups gnomAD compares: African/African-American, 0.033%; no homozygotes.

Submissions (11):

Labcorp Genetics (formerly Invitae), Labcorp
Classification: Likely benign for Hereditary nonpolyposis colorectal neoplasms. Last evaluated: 2026-01-25. Review status: criteria provided, single submitter. Criteria: Invitae Variant Classification Sherloc (09022015). Collection method: clinical testing. Allele origin: germline.

Myriad Genetics, Inc.
Classification: Benign for Lynch syndrome 4. Last evaluated: 2025-01-30. Review status: criteria provided, single submitter. Criteria: Myriad Autosomal Dominant, Autosomal Recessive and X-Linked Classification Criteria (2023). Collection method: clinical testing. Allele origin: unknown.
Comment: This variant is considered benign. This variant is a silent/synonymous amino acid change and it is not expected to impact splicing.

Institute for Biomarker Research, Medical Diagnostic Laboratories, L.L.C.
Classification: Likely benign for Hereditary cancer-predisposing syndrome. Last evaluated: 2024-08-20. Review status: criteria provided, single submitter. Criteria: ACMG Guidelines, 2015. Collection method: clinical testing. Allele origin: germline.
Comment: The synonymous variant NM_001322014.2(PMS2):c.1248C>A (p.Ser416=) has been reported to ClinVar as Benign/Likely benign with a status of (2 stars) criteria provided, multiple submitters, no conflicts (Variation ID 230291 as of 2024-08-01). The p.Ser416= variant is not predicted to disrupt an existing splice site. The p.Ser416= variant results in a substitution of a base that is not predicted conserved by GERP++ and PhyloP. For these reasons, this variant has been classified as Likely Benign.

All of Us Research Program, National Institutes of Health
Classification: Likely benign for Lynch syndrome. Last evaluated: 2024-02-05. Review status: criteria provided, single submitter. Criteria: ACMG Guidelines, 2015. Collection method: clinical testing. Allele origin: germline. Inheritance: Autosomal dominant inheritance. Observed: 11 variant alleles, 11 heterozygotes.
Comment: This study involves interpretation of variants in research participants for the purpose of population health screening. Participant phenotype was not available at the time of variant classification. Additional details can be found in publication PMID: 35346344, PMCID: PMC8962531

Blueprint Genetics
Classification: Likely benign. Last evaluated: 2022-12-29. Review status: criteria provided, single submitter. Criteria: ACMG Guidelines, 2015. Collection method: clinical testing. Allele origin: germline.

Women's Health and Genetics/Laboratory Corporation of America, LabCorp
Classification: Likely benign. Last evaluated: 2021-07-03. Review status: criteria provided, single submitter. Criteria: LabCorp Variant Classification Summary - May 2015. Collection method: clinical testing. Allele origin: germline.

Sema4
Classification: Likely benign for Hereditary cancer-predisposing syndrome. Last evaluated: 2021-01-23. Review status: criteria provided, single submitter. Criteria: Sema4 Curation Guidelines. Collection method: curation. Allele origin: germline.

Quest Diagnostics Nichols Institute San Juan Capistrano
Classification: Likely benign. Last evaluated: 2019-09-21. Review status: criteria provided, single submitter. Criteria: Quest Diagnostics criteria. Collection method: clinical testing. Allele origin: unknown.

Color Diagnostics, LLC DBA Color Health
Classification: Likely benign for Hereditary cancer-predisposing syndrome. Last evaluated: 2016-04-20. Review status: criteria provided, single submitter. Criteria: ACMG Guidelines, 2015. Collection method: clinical testing. Allele origin: germline.

GeneDx
Classification: Benign. Last evaluated: 2015-09-16. Review status: criteria provided, single submitter. Criteria: GeneDx Variant Classification (06012015). Collection method: clinical testing. Allele origin: germline. Affected: yes.
Comment: This variant is considered likely benign or benign based on one or more of the following criteria: it is a conservative change, it occurs at a poorly conserved position in the protein, it is predicted to be benign by multiple in silico algorithms, and/or has population frequency not consistent with disease.

Ambry Genetics
Classification: Likely benign for Hereditary cancer-predisposing syndrome. Last evaluated: 2015-01-29. Review status: criteria provided, single submitter. Criteria: Ambry Variant Classification Scheme 2023. Collection method: clinical testing. Allele origin: germline.